The following is an entry in ClinVar:

ClinVar aggregate classification (germline): Pathogenic; drug response. Review status: reviewed by expert panel (3 of 4 stars). 13 submissions from 7 submitters: Pathogenic (1). 5 of the submissions do not count toward it. Last evaluated 2021-03-24.

Conditions:
RYR1-related disorder. Also called: RYR1-related condition; RYR1-related disorders. Identifiers: MedGen CN239331.
Malignant hyperthermia, susceptibility to, 1 (MHS1). Also called: RYR1-Related Malignant Hyperthermia Susceptibility; Anesthesia related hyperthermia; Malignant hyperpyrexia; Fulminating hyperpyrexia; Pharmacogenic myopathy; Malignant hyperthermia suceptibility 1. Identifiers: Orphanet 423, MedGen C2930980, MONDO:0007783, OMIM 145600.
isoflurane response - Toxicity.
halothane response - Toxicity.
enflurane response - Toxicity.
desflurane response - Toxicity.
succinylcholine response - Toxicity.
sevoflurane response - Toxicity.
methoxyflurane response - Toxicity.

Allele frequency attached by ClinVar (database versions not stated): gnomAD exomes below 0.00001; TOPMed below 0.00001; gnomAD 0.00001.
gnomAD v4.1: 3 of 1,609,172 alleles (0.00019%); highest among the groups gnomAD compares: Non-Finnish European, 0.00025%; no homozygotes.

Submissions (13):

ClinPGx
Classification: drug response for desflurane response - Toxicity. Last evaluated: 2021-03-24. Review status: reviewed by expert panel. Criteria: Pharmacogenomics knowledge for personalized medicine. Collection method: curation. Allele origin: germline. Affected: yes.
Comment: PharmGKB Level of Evidence 1A: Level 1A clinical annotations describe variant-drug combinations that have variant-specific prescribing guidance available in a current clinical guideline annotation or an FDA-approved drug label annotation. Annotations of drug labels or clinical guidelines must give prescribing guidance for specific variants (e.g. CYP2C9*3, HLA-B*57:01) or provide mapping from defined allele functions to diplotypes and phenotypes to be used as supporting evidence for a level 1A clinical annotation. Level 1A clinical annotations must also be supported by at least one publication in addition to a clinical guideline or drug label with variant-specific prescribing guidance.

Drug is not necessarily used to treat response condition

ClinPGx
Classification: drug response for enflurane response - Toxicity. Last evaluated: 2021-03-24. Review status: reviewed by expert panel. Criteria: Pharmacogenomics knowledge for personalized medicine. Collection method: curation. Allele origin: germline. Affected: yes.
Comment: the same text as in the submission from ClinPGx above.

ClinPGx
Classification: drug response for halothane response - Toxicity. Last evaluated: 2021-03-24. Review status: reviewed by expert panel. Criteria: Pharmacogenomics knowledge for personalized medicine. Collection method: curation. Allele origin: germline. Affected: yes.
Comment: the same text as in the submission from ClinPGx above.

ClinPGx
Classification: drug response for isoflurane response - Toxicity. Last evaluated: 2021-03-24. Review status: reviewed by expert panel. Criteria: Pharmacogenomics knowledge for personalized medicine. Collection method: curation. Allele origin: germline. Affected: yes.
Comment: the same text as in the submission from ClinPGx above.

ClinPGx
Classification: drug response for methoxyflurane response - Toxicity. Last evaluated: 2021-03-24. Review status: reviewed by expert panel. Criteria: Pharmacogenomics knowledge for personalized medicine. Collection method: curation. Allele origin: germline. Affected: yes.
Comment: the same text as in the submission from ClinPGx above.

ClinPGx
Classification: drug response for sevoflurane response - Toxicity. Last evaluated: 2021-03-24. Review status: reviewed by expert panel. Criteria: Pharmacogenomics knowledge for personalized medicine. Collection method: curation. Allele origin: germline. Affected: yes.
Comment: the same text as in the submission from ClinPGx above.

ClinPGx
Classification: drug response for succinylcholine response - Toxicity. Last evaluated: 2021-03-24. Review status: reviewed by expert panel. Criteria: Pharmacogenomics knowledge for personalized medicine. Collection method: curation. Allele origin: germline. Affected: yes.
Comment: the same text as in the submission from ClinPGx above.

ClinGen Malignant Hyperthermia Susceptibility Variant Curation Expert Panel, ClinGen
Classification: Pathogenic for Malignant hyperthermia, susceptibility to, 1. Last evaluated: 2021-03-18. Review status: reviewed by expert panel. Criteria: ClinGen MHS ACMG Specifications V1. Collection method: curation. Allele origin: germline. Inheritance: Autosomal dominant inheritance. Study: ClinGen.
Comment: This pathogenicity assessment is relevant only for malignant hyperthermia susceptibility (MHS) inherited in an autosomal dominant pattern. Variants in RYR1 can also cause other myopathies inherited in an autosomal dominant pattern or in an autosomal recessive pattern. Some of these disorders may predispose individuals to malignant hyperthermia. RYR1 variants may also contribute to a malignant hyperthermia reaction in combination with other genetic and non-genetic factors and the clinician needs to consider such factors in making management decisions. This sequence variant predicts a substitution of cysteine with arginine at codon 35 of the RYR1 protein, p.(Cys35Arg). The maximum allele frequency for this variant among the six major gnomAD populations is NFE: 0.000009, a frequency consistent with pathogenicity for MHS. This variant has been reported in three unrelated individuals who have a personal or family history of a malignant hyperthermia reaction and positive in vitro contracture test (IVCT) or caffeine halothane contracture test (CHCT) result (when the proband was unavailable for testing a positive diagnostic test result in a mutation positive relative was counted), PS4_Moderate (PMID:17710899, PMID:20681998, PMID:9066328). Functional studies in HEK293 cells show conflicting data regarding sensitivity to RYR1 agonists, PS3/BS3 were not implemented (PMID:9334205, PMID:26115329). This variant resides in a region of RYR1 considered to be a hotspot for pathogenic variants that contribute to MHS, PM1 (PMID: 21118704). This variant segregates with MHS in 11 individuals, PP1_Strong (PMID:9066328). A REVEL score > 0.85 supports pathogenicity, PP3_Moderate. Criteria implemented: PS4_Moderate, PM1, PP3_Moderate, PP1_Strong. Based on using Bayes to combine criteria this variant is assessed as Pathogenic, (PMID: 29300386).

GeneDx
Classification: Pathogenic. Last evaluated: 2026-09-01. Review status: criteria provided, single submitter. Criteria: GeneDx Variant Classification Process June 2021. Collection method: clinical testing. Allele origin: germline. Not counted in ClinVar's aggregate classification.
Comment: Published functional studies suggest this variant results in slightly increased sensitivity to caffeine and halothane; however, results across studies are inconsistent and some measures of channel function were not statistically significant (PMID: 31841587, 9334205); In silico analysis supports that this missense variant has a deleterious effect on protein structure/function; Not observed at significant frequency in large population cohorts (gnomAD); This variant is associated with the following publications: (PMID: 19541610, 9873004, 27147545, 25517095, 32381029, 36164570, 28902675, 21795085, 14985404, 23422674, 33767344, 26115329, 34064668, 30499100, 26398623, 30236257, 16163667, 9066328, 9497245, 20681998, 17710899, 12124989, 31841587, 9334205, 21118704, 41247167, 41212811)

All of Us Research Program, National Institutes of Health
Classification: Pathogenic for Malignant hyperthermia, susceptibility to, 1. Last evaluated: 2024-01-08. Review status: criteria provided, single submitter. Criteria: ACMG Guidelines, 2015. Collection method: clinical testing. Allele origin: germline. Inheritance: Autosomal dominant inheritance. Observed: 1 variant allele, 1 heterozygote. Not counted in ClinVar's aggregate classification.
Comment: This missense variant replaces cysteine with arginine at codon 35 of the RYR1 protein. Computational prediction suggests that this variant may have deleterious impact on protein structure and function. This variant occurs in a region of the RYR1 protein that is considered to be a hotspot for pathogenic variants that contribute to malignant hyperthermia susceptibility (PMID: 21118704). Functional studies in HEK293 cells are conflicted in the impact of this variant on sensitivity to caffeine and halothane compared to cells expressing wild-type RYR1 (PMID: 9334205, 26115329, 31841587). This variant has been reported in at least four unrelated families or individuals affected with malignant hyperthermia susceptibility (PMID: 9066328, 16163667, 17710899, 20681998). It has been shown that this variant segregates with the malignant hyperthermia susceptibility phenotype in one family (PMID: 9066328). This variant has been identified in 1/237252 chromosomes in the general population by the Genome Aggregation Database (gnomAD). Based on the available evidence, this variant is classified as Pathogenic.

This study involves interpretation of variants in research participants for the purpose of population health screening. Participant phenotype was not available at the time of variant classification. Additional details can be found in publication PMID: 35346344, PMCID: PMC8962531

Color Diagnostics, LLC DBA Color Health
Classification: Pathogenic for Malignant hyperthermia, susceptibility to, 1. Last evaluated: 2023-11-09. Review status: criteria provided, single submitter. Criteria: ACMG Guidelines, 2015. Collection method: clinical testing. Allele origin: germline. Not counted in ClinVar's aggregate classification.
Comment: This missense variant replaces cysteine with arginine at codon 35 of the RYR1 protein. Computational prediction suggests that this variant may have deleterious impact on protein structure and function. This variant occurs in a region of the RYR1 protein that is considered to be a hotspot for pathogenic variants that contribute to malignant hyperthermia susceptibility (PMID: 21118704). Functional studies in HEK293 cells are conflicted in the impact of this variant on sensitivity to caffeine and halothane compared to cells expressing wild-type RYR1 (PMID: 9334205, 26115329, 31841587). This variant has been reported in at least four unrelated families or individuals affected with malignant hyperthermia susceptibility (PMID: 9066328, 16163667, 17710899, 20681998). It has been shown that this variant segregates with the malignant hyperthermia susceptibility phenotype in one family (PMID: 9066328). This variant has been identified in 1/237252 chromosomes in the general population by the Genome Aggregation Database (gnomAD). Based on the available evidence, this variant is classified as Pathogenic.

Labcorp Genetics (formerly Invitae), Labcorp
Classification: Pathogenic for RYR1-related disorder. Last evaluated: 2023-05-27. Review status: criteria provided, single submitter. Criteria: Invitae Variant Classification Sherloc (09022015). Collection method: clinical testing. Allele origin: germline. Not counted in ClinVar's aggregate classification.
Comment: Advanced modeling of protein sequence and biophysical properties (such as structural, functional, and spatial information, amino acid conservation, physicochemical variation, residue mobility, and thermodynamic stability) performed at Invitae indicates that this missense variant is expected to disrupt RYR1 protein function. This sequence change replaces cysteine, which is neutral and slightly polar, with arginine, which is basic and polar, at codon 35 of the RYR1 protein (p.Cys35Arg). The frequency data for this variant in the population databases is considered unreliable, as metrics indicate poor data quality at this position in the gnomAD database. This missense change has been observed in individual(s) with autosomal dominant malignant hyperthermia (PMID: 9066328). It has also been observed to segregate with disease in related individuals. ClinVar contains an entry for this variant (Variation ID: 132995). For these reasons, this variant has been classified as Pathogenic.

RYR1 database
No classification provided. Review status: no classification provided. Collection method: not provided. Allele origin: unknown. Not counted in ClinVar's aggregate classification.

Literature cited by the submitters: PubMed 16163667 (cited by 3 submitters); PubMed 17710899 (cited by 3 submitters); PubMed 20681998 (cited by 3 submitters); PubMed 9066328 (cited by 4 submitters); PubMed 9334205 (cited by 3 submitters); PubMed 9497245 (cited by ClinPGx); PubMed 21118704 (cited by All of Us Research Program, National Institutes of Health and Color Diagnostics, LLC DBA Color Health); PubMed 26115329 (cited by All of Us Research Program, National Institutes of Health and Color Diagnostics, LLC DBA Color Health); PubMed 31841587 (cited by All of Us Research Program, National Institutes of Health and Color Diagnostics, LLC DBA Color Health).

NM_000540.3(RYR1):c.103T>C (p.Cys35Arg)

Gene: RYR1 (ryanodine receptor 1; plus strand). Cytogenetic location: 19q13.2.
Variant type: single nucleotide variant.
Coding change: c.103T>C on transcript NM_000540.3 (MANE Select); coding-DNA position 103, T replaced by C.
Protein change: p.Cys35Arg; replaces cysteine 35 with arginine.
Molecular consequence: missense variant.
Genome position (GRCh38, 1-based): chr19:38,440,802, T>C. VCF-style: chr19-38440802-T-C. GRCh37 (hg19) VCF-style: chr19-38931442-T-C.
Other names: NM_000540.3(RYR1):c.103T>C; c.103T>C, p.Cys35Arg (NM_001042723.2); short protein forms C35R.
Identifiers: ClinVar variation 132995 (VCV000132995.13), dbSNP rs193922747, ClinGen allele CA023838.
Genomic context (GRCh38, chr19:38,440,802, plus strand): 5'-CAGGACGATGAGGTGGTCCTGCAGTGCAGCGCTACCGTGCTCAAGGAGCAGCTCAAGCTC[T>C]GCCTGGCCGCCGAGGGCTTCGGCAACCGCCTGTGCTTCCTGGAGCCCACTAGCAACGCGC-3'
Protein context (NP_000531.2, residues 25-45): ATVLKEQLKL[Cys35Arg]LAAEGFGNRL